The following is an entry in ClinVar:

ClinVar aggregate classification (germline): Pathogenic (1 of 4 stars; one submission).

Conditions:
Neurodegeneration, childhood-onset, stress-induced, with variable ataxia and seizures. Identifiers: Orphanet 694922, MedGen C4748527, MONDO:0100095, OMIM 618170.

Submission:

Variantyx, Inc.
Classification: Pathogenic for Neurodegeneration, childhood-onset, stress-induced, with variable ataxia and seizures. Last evaluated: 2025-05-01. Review status: criteria provided, single submitter. Criteria: Variantyx Assertion Criteria 2022. Collection method: clinical testing. Allele origin: germline. Inheritance: Autosomal recessive inheritance.
Comment: This is a nonsense variant in the ADPRS gene (OMIM: 610624). Pathogenic variants in this gene have been associated with autosomal recessive stress induced childhood onset neurodegeneration with variable ataxia and seizures . This variant introduces a premature termination codon in exon 3 out of 6 and is expected to result in loss of function, which is a known disease mechanism for ADPRS in this disorder (PMID: 35664652)(PVS1). This variant has a 0.0002% maximum allele frequency in non-founder control populations (PM2_Supporting). Based on the current evidence, this variant is classified as pathogenic for autosomal recessive stress induced childhood onset neurodegeneration with variable ataxia and seizures.

Literature cited by the submitters: PubMed 3566465.

NM_017825.3(ADPRS):c.429dup (p.Asn144Ter)

Gene: ADPRS (ADP-ribosylserine hydrolase; plus strand). Cytogenetic location: 1p34.3.
Variant type: Duplication.
Coding change: c.429dup on transcript NM_017825.3 (MANE Select); coding-DNA position 429, one base duplicated (T; older notation c.429dupT).
Protein change: p.Asn144Ter; replaces asparagine 144 with a stop codon.
Molecular consequence: nonsense.
Genome position (GRCh38, 1-based): chr1:36,091,738, T duplicated; the last of 3 consecutive T bases (chr1:36,091,736-36,091,738); duplicating any one gives the same sequence. VCF-style (leftmost placement, unchanged base first): chr1-36091735-G-GT. GRCh37 (hg19) VCF-style: chr1-36557336-G-GT.
Other names: short protein forms N144*.
Identifiers: ClinVar variation 4850194 (VCV004850194.1).